The following is an entry in ClinVar:

ClinVar aggregate classification (germline): Uncertain significance. Review status: criteria provided, multiple submitters, no conflicts (2 of 4 stars). 2 submissions from 2 submitters: Uncertain significance (2). Last evaluated 2025-11-13.

gnomAD v4.1: 28 of 1,613,754 alleles (0.0017%); highest among the groups gnomAD compares: Admixed American, 0.0033%; no homozygotes.

Submissions (2):

Women's Health and Genetics/Laboratory Corporation of America, LabCorp
Classification: Uncertain significance. Last evaluated: 2025-11-13. Review status: criteria provided, single submitter. Criteria: LabCorp Variant Classification Summary - May 2015. Collection method: clinical testing. Allele origin: germline.
Comment: Variant summary: KMT2E c.268G>A (p.Gly90Ser) results in a non-conservative amino acid change in the encoded protein sequence. Algorithms developed to predict the effect of missense changes on protein structure and function are either unavailable or do not agree on the potential impact of this missense change. The variant allele was found at a frequency of 1.2e-05 in 251024 control chromosomes. The available data on variant occurrences in the general population are insufficient to allow any conclusion about variant significance. To our knowledge, no occurrence of c.268G>A in individuals affected with KMT2E-related conditions and no experimental evidence demonstrating its impact on protein function have been reported. No submitters have cited clinical-significance assessments for this variant to ClinVar. Based on the evidence outlined above, the variant was classified as uncertain significance.

Labcorp Genetics (formerly Invitae), Labcorp
Classification: Uncertain significance. Last evaluated: 2025-06-14. Review status: criteria provided, single submitter. Criteria: Invitae Variant Classification Sherloc (09022015). Collection method: clinical testing. Allele origin: germline.
Comment: This sequence change replaces glycine, which is neutral and non-polar, with serine, which is neutral and polar, at codon 90 of the KMT2E protein (p.Gly90Ser). This variant is present in population databases (rs552851146, gnomAD 0.006%). This variant has not been reported in the literature in individuals affected with KMT2E-related conditions. Invitae Evidence Modeling of protein sequence and biophysical properties (such as structural, functional, and spatial information, amino acid conservation, physicochemical variation, residue mobility, and thermodynamic stability) indicates that this missense variant is not expected to disrupt KMT2E protein function with a negative predictive value of 80%. In summary, the available evidence is currently insufficient to determine the role of this variant in disease. Therefore, it has been classified as a Variant of Uncertain Significance.

NM_182931.3(KMT2E):c.268G>A (p.Gly90Ser)

Gene: KMT2E (lysine methyltransferase 2E (inactive); plus strand). Cytogenetic location: 7q22.3.
Variant type: single nucleotide variant.
Coding change: c.268G>A on transcript NM_182931.3 (MANE Select); coding-DNA position 268, G replaced by A.
Protein change: p.Gly90Ser; replaces glycine 90 with serine.
Molecular consequence: missense variant.
Genome position (GRCh38, 1-based): chr7:105,063,432, G>A. VCF-style: chr7-105063432-G-A. GRCh37 (hg19) VCF-style: chr7-104703879-G-A.
Other names: c.268G>A, p.Gly90Ser (NM_001410908.1, NM_018682.4); short protein forms G90S.
Identifiers: ClinVar variation 4536757 (VCV004536757.2).